The following is an entry in ClinVar:

NM_004525.3(LRP2):c.9902G>T (p.Gly3301Val)

Gene: LRP2 (LDL receptor related protein 2; minus strand). Cytogenetic location: 2q31.1.
Variant type: single nucleotide variant.
Coding change: c.9902G>T on transcript NM_004525.3 (MANE Select); coding-DNA position 9902, G replaced by T.
Protein change: p.Gly3301Val; replaces glycine 3301 with valine.
Molecular consequence: missense variant.
Genome position (GRCh38, 1-based): chr2:169,182,263, C>A on the plus strand (G>T on the coding strand, the complement: LRP2 is on the minus strand). VCF-style: chr2-169182263-C-A. GRCh37 (hg19) VCF-style: chr2-170038773-C-A.
Other names: short protein forms G3301V.
Identifiers: ClinVar variation 1433759 (VCV001433759.6), dbSNP rs1687468158, ClinGen allele CA349152031.

ClinVar aggregate classification (germline): Uncertain significance. Review status: criteria provided, multiple submitters, no conflicts (2 of 4 stars). 2 submissions from 2 submitters: Uncertain significance (2). Last evaluated 2024-04-27.

Conditions:
Donnai-Barrow syndrome. Also called: DBS/FOAR SYNDROME; FACIOOCULOACOUSTICORENAL SYNDROME. Identifiers: Orphanet 2143, MedGen C1857277, MONDO:0009104, OMIM 222448.

Allele frequency attached by ClinVar (database versions not stated): TOPMed below 0.00001.

Submissions (2):

Fulgent Genetics
Classification: Uncertain significance for Donnai-Barrow syndrome. Last evaluated: 2024-04-27. Review status: criteria provided, single submitter. Criteria: ACMG Guidelines, 2015. Collection method: clinical testing. Allele origin: germline.

Labcorp Genetics (formerly Invitae), Labcorp
Classification: Uncertain significance. Last evaluated: 2021-08-26. Review status: criteria provided, single submitter. Criteria: Invitae Variant Classification Sherloc (09022015). Collection method: clinical testing. Allele origin: germline.
Comment: This sequence change replaces glycine with valine at codon 3301 of the LRP2 protein (p.Gly3301Val). The glycine residue is highly conserved and there is a moderate physicochemical difference between glycine and valine. This variant is not present in population databases (ExAC no frequency). This variant has not been reported in the literature in individuals affected with LRP2-related conditions. Advanced modeling of protein sequence and biophysical properties (such as structural, functional, and spatial information, amino acid conservation, physicochemical variation, residue mobility, and thermodynamic stability) performed at Invitae indicates that this missense variant is expected to disrupt LRP2 protein function. In summary, the available evidence is currently insufficient to determine the role of this variant in disease. Therefore, it has been classified as a Variant of Uncertain Significance.